The following is an entry in ClinVar:

ClinVar aggregate classification (germline): Likely benign. Review status: criteria provided, multiple submitters, no conflicts (2 of 4 stars). 3 submissions from 3 submitters: Likely benign (3). Last evaluated 2025-10-02.

Conditions:
Dilated cardiomyopathy 2B. Identifiers: Orphanet 154, MedGen C3553409, MONDO:0013848, OMIM 614672.

Allele frequency attached by ClinVar (database versions not stated): gnomAD 0.00005; TOPMed 0.00009.
gnomAD v4.1: 11 of 1,213,486 alleles (0.00091%); highest among the groups gnomAD compares: African/African-American, 0.016%; no homozygotes.

Submissions (3):

Labcorp Genetics (formerly Invitae), Labcorp
Classification: Likely benign for Dilated cardiomyopathy 2B. Last evaluated: 2025-10-02. Review status: criteria provided, single submitter. Criteria: Invitae Variant Classification Sherloc (09022015). Collection method: clinical testing. Allele origin: germline.

Blueprint Genetics
Classification: Likely benign. Last evaluated: 2023-05-04. Review status: criteria provided, single submitter. Criteria: ACMG Guidelines, 2015. Collection method: clinical testing. Allele origin: germline.

GeneDx
Classification: Likely benign. Last evaluated: 2017-09-11. Review status: criteria provided, single submitter. Criteria: GeneDx Variant Classification (06012015). Collection method: clinical testing. Allele origin: germline. Affected: yes.
Comment: This variant is considered likely benign or benign based on one or more of the following criteria: it is a conservative change, it occurs at a poorly conserved position in the protein, it is predicted to be benign by multiple in silico algorithms, and/or has population frequency not consistent with disease.

NM_021167.5(GATAD1):c.249+11C>G

Genes: GATAD1 (GATA zinc finger domain containing 1; plus strand), LOC129998793 (ATAC-STARR-seq lymphoblastoid silent region 18371; plus strand). Cytogenetic location: 7q21.2.
Variant type: single nucleotide variant.
Coding change: c.249+11C>G on transcript NM_021167.5 (MANE Select); 11 bases into the intron after coding-DNA position 249, C replaced by G.
Molecular consequence: intron variant.
Genome position (GRCh38, 1-based): chr7:92,447,989, C>G. VCF-style: chr7-92447989-C-G. GRCh37 (hg19) VCF-style: chr7-92077303-C-G.
Identifiers: ClinVar variation 385347 (VCV000385347.7), dbSNP rs904402772, ClinGen allele CA16605406.